The following is an entry in ClinVar:

ClinVar aggregate classification (germline): Conflicting classifications of pathogenicity. Review status: criteria provided, conflicting classifications (1 of 4 stars). 5 submissions from 5 submitters: Uncertain significance (4); Likely benign (1). Last evaluated 2026-08-06.

Conditions:
Cardiovascular phenotype. Identifiers: MedGen CN230736.
Progressive familial heart block type IB (PFHB1B). Identifiers: Orphanet 871, MedGen C1970298, MONDO:0011474, OMIM 604559.

Allele frequency attached by ClinVar (database versions not stated): gnomAD 0.00003; gnomAD exomes 0.00001.
gnomAD v4.1: 16 of 1,613,912 alleles (0.00099%); highest among the groups gnomAD compares: South Asian, 0.0055%; no homozygotes.

Submissions (5):

OLLIN Analises Genomicas, OLLIN
Classification: Uncertain significance for Progressive familial heart block type IB. Last evaluated: 2026-08-06. Review status: criteria provided, single submitter. Criteria: ACMG Guidelines 2015 PMID 25741868. Collection method: clinical testing. Allele origin: germline.
Comment: This missense variant, located in exon 20 (of 25), has been reported in ClinVar (accession VCV003462165.3) and in gnomAD with an allele frequency of 0.00099%. However, to our knowledge, it has not been reported in the scientific literature. In silico analysis predicts that this variant has a tolerated effect. According to the currently available evidence, this variant has been classified as uncertain significance (BP4_M).

Labcorp Genetics (formerly Invitae), Labcorp
Classification: Uncertain significance for Progressive familial heart block type IB. Last evaluated: 2025-07-22. Review status: criteria provided, single submitter. Criteria: Invitae Variant Classification Sherloc (09022015). Collection method: clinical testing. Allele origin: germline.
Comment: This sequence change replaces alanine, which is neutral and non-polar, with valine, which is neutral and non-polar, at codon 1008 of the TRPM4 protein (p.Ala1008Val). This variant is present in population databases (rs756361248, gnomAD 0.006%). This variant has not been reported in the literature in individuals affected with TRPM4-related conditions. ClinVar contains an entry for this variant (Variation ID: 451115). An algorithm developed to predict the effect of missense changes on protein structure and function (PolyPhen-2) suggests that this variant is likely to be tolerated. In summary, the available evidence is currently insufficient to determine the role of this variant in disease. Therefore, it has been classified as a Variant of Uncertain Significance.

Ambry Genetics
Classification: Likely benign for Cardiovascular phenotype. Last evaluated: 2025-03-11. Review status: criteria provided, single submitter. Criteria: Ambry Variant Classification Scheme 2023. Collection method: clinical testing. Allele origin: germline.

ARUP Laboratories, Molecular Genetics and Genomics, ARUP Laboratories
Classification: Uncertain significance. Last evaluated: 2019-08-12. Review status: criteria provided, single submitter. Criteria: ARUP Molecular Germline Variant Investigation Process. Collection method: clinical testing. Allele origin: germline.
Comment: The TRPM4 c.3023C>T; p.Ala1008Val variant (rs756361248), to our knowledge, is not reported in the medical literature but is reported in ClinVar (Variation ID: 451115). This variant is only observed on three alleles in the Genome Aggregation Database, indicating it is not a common polymorphism. The alanine at codon 1008 is weakly conserved, and computational analyses (SIFT, PolyPhen-2) predict that this variant is tolerated. Other computational analyses (Alamut v.2.11) predict that this variant may impact splicing by creating a novel cryptic donor splice site, but without functional studies the effect on splicing is unknown. Due to limited information, the clinical significance of the p.Ala1008Val variant is uncertain at this time.

GeneDx
Classification: Uncertain significance. Last evaluated: 2017-08-04. Review status: criteria provided, single submitter. Criteria: GeneDx Variant Classification (06012015). Collection method: clinical testing. Allele origin: germline. Affected: yes.
Comment: A variant of uncertain significance has been identified in the TRPM4 gene. The A1008V variant has not been published as pathogenic or been reported as benign to our knowledge. This variant is not observed at a significant frequency in large population cohorts (Lek et al., 2016; 1000 Genomes Consortium et al., 2015; Exome Variant Server). Several in silico splice prediction algorithms suggest that the A1008V variant may create a cryptic splice donor site upstream of the canonical splice donor site. However, in the absence of functional mRNA studies, the physiological consequence of this variant cannot be precisely determined. Furthermore, the A1008V variant is a conservative amino acid substitution, which is not likely to impact secondary protein structure as these residues share similar properties. This substitution occurs at a position that is not conserved across species. Finally, in silico analysis suggests that this variant likely does not alter the protein structure/function.

NM_017636.4(TRPM4):c.3023C>T (p.Ala1008Val)

Gene: TRPM4 (transient receptor potential cation channel subfamily M member 4; plus strand). Cytogenetic location: 19q13.33.
Variant type: single nucleotide variant.
Coding change: c.3023C>T on transcript NM_017636.4 (MANE Select); coding-DNA position 3023, C replaced by T.
Protein change: p.Ala1008Val; replaces alanine 1008 with valine.
Molecular consequence: missense variant.
Genome position (GRCh38, 1-based): chr19:49,202,033, C>T. VCF-style: chr19-49202033-C-T. GRCh37 (hg19) VCF-style: chr19-49705290-C-T.
Other names: c.2588C>T, p.Ala863Val (NM_001195227.2); c.2678C>T, p.Ala893Val (NM_001321281.2); c.1415C>T, p.Ala472Val (NM_001321282.2); c.2501C>T, p.Ala834Val (NM_001321283.2); c.1961C>T, p.Ala654Val (NM_001321285.2); short protein forms A1008V, A654V, A834V, A893V, A472V, A863V.
Identifiers: ClinVar variation 451115 (VCV000451115.21), dbSNP rs756361248, ClinGen allele CA9569746.